The following is an entry in ClinVar:

NM_000264.5(PTCH1):c.2511_2512delinsTT (p.Lys838Ter)

Genes: PTCH1 (patched 1; minus strand), LOC100507346 (uncharacterized LOC100507346; plus strand). Cytogenetic location: 9q22.32.
Variant type: Indel.
Coding change: c.2511_2512delinsTT on transcript NM_000264.5 (MANE Select); coding-DNA positions 2511 to 2512, CA replaced by TT.
Protein change: p.Lys838Ter; replaces lysine 838 with a stop codon.
Molecular consequence: nonsense. On other transcripts: non-coding transcript variant (2).
Genome position (GRCh38, 1-based): chr9:95,467,164-95,467,165, TG replaced by AA on the plus strand (CA replaced by TT on the coding strand, the reverse complement: PTCH1 is on the minus strand). VCF-style: chr9-95467164-TG-AA. GRCh37 (hg19) VCF-style: chr9-98229446-TG-AA.
Other names: c.2313_2314delinsTT, p.Lys772Ter (NM_001083602.3); c.2508_2509delinsTT, p.Lys837Ter (NM_001083603.3); c.2058_2059delinsTT, p.Lys687Ter (NM_001083604.3, NM_001083605.3, NM_001083606.3 and 1 more transcripts); c.2355_2356delinsTT, p.Lys786Ter (NM_001354918.2); short protein forms K687*, K772*, K786*, K837*, K838*.
Identifiers: ClinVar variation 3774528 (VCV003774528.1).

ClinVar aggregate classification (germline): Pathogenic (1 of 4 stars; one submission).

Conditions:
Basal cell carcinoma, susceptibility to, 1. Also called: BCC1. Identifiers: MedGen C2751544, MONDO:0011556, OMIM 605462.

Submission:

Clinical Genomics Laboratory, Washington University in St. Louis
Classification: Pathogenic for Basal cell carcinoma, susceptibility to, 1. Last evaluated: 2024-07-18. Review status: criteria provided, single submitter. Criteria: Leon-Quintero et al. (Clin Genet. 2025). Collection method: clinical testing. Allele origin: somatic. Affected: yes.
Comment: A PTCH1 c.2511_2512delinsTT (p.Lys838*) variant was identified at an allelic fraction consistent with somatic origin. This variant, to our knowledge, has not been reported in the medical literature and is absent from the general population (gnomAD v.4.1.0), indicating it is not a common variant. This variant is a dinucleotide substitution, leading to a premature termination codon, which is predicted to lead to nonsense mediated decay. Based on available information and an internally developed protocol informed by the ACMG/AMP guidelines for variant interpretation and gene-specific practices from the ClinGen Criteria Specification Registry (Leon-Quintero FZ et al., PMID: 39434542), the PTCH1 c.2511_2512delinsTT (p.Lys838*) variant is classified as pathogenic.